The following is an entry in ClinVar:

NM_003995.4(NPR2):c.1496T>C (p.Leu499Pro)

Gene: NPR2 (natriuretic peptide receptor 2; plus strand). Cytogenetic location: 9p13.3.
Variant type: single nucleotide variant.
Coding change: c.1496T>C on transcript NM_003995.4 (MANE Select); coding-DNA position 1496, T replaced by C.
Protein change: p.Leu499Pro; replaces leucine 499 with proline.
Molecular consequence: missense variant.
Genome position (GRCh38, 1-based): chr9:35,801,702, T>C. VCF-style: chr9-35801702-T-C. GRCh37 (hg19) VCF-style: chr9-35801699-T-C.
Other names: c.1505T>C, p.Leu502Pro (NM_001378923.1); short protein forms L499P, L502P.
Identifiers: ClinVar variation 3755802 (VCV003755802.2).

ClinVar aggregate classification (germline): Uncertain significance (1 of 4 stars; one submission).

Conditions:
Tall stature-scoliosis-macrodactyly of the great toes syndrome. Also called: Epiphyseal chondrodysplasia, miura type. Identifiers: Orphanet 329191, MedGen C4014690, MONDO:0014401, OMIM 615923.
Acromesomelic dysplasia 1, Maroteaux type (AMD1). Also called: ST. HELENA DYSPLASIA; ACROMESOMELIC DYSPLASIA 1. Identifiers: Orphanet 40, MedGen C1864356, MONDO:0011275, OMIM 602875.

Submission:

Labcorp Genetics (formerly Invitae), Labcorp
Classification: Uncertain significance for Tall stature-scoliosis-macrodactyly of the great toes syndrome; Acromesomelic dysplasia 1, Maroteaux type. Last evaluated: 2024-04-10. Review status: criteria provided, single submitter. Criteria: Invitae Variant Classification Sherloc (09022015). Collection method: clinical testing. Allele origin: germline.
Comment: This sequence change replaces leucine, which is neutral and non-polar, with proline, which is neutral and non-polar, at codon 499 of the NPR2 protein (p.Leu499Pro). This variant is not present in population databases (gnomAD no frequency). This variant has not been reported in the literature in individuals affected with NPR2-related conditions. Advanced modeling of protein sequence and biophysical properties (such as structural, functional, and spatial information, amino acid conservation, physicochemical variation, residue mobility, and thermodynamic stability) performed at Invitae indicates that this missense variant is expected to disrupt NPR2 protein function with a positive predictive value of 80%. In summary, the available evidence is currently insufficient to determine the role of this variant in disease. Therefore, it has been classified as a Variant of Uncertain Significance.